The following is an entry in ClinVar:

NM_006348.5(COG5):c.2091+4_2091+11del

Gene: COG5 (component of oligomeric golgi complex 5; minus strand). Cytogenetic location: 7q22.3.
Variant type: Deletion.
Coding change: c.2091+4_2091+11del on transcript NM_006348.5 (MANE Select); bases 4 to 11 of the intron after coding-DNA position 2091, 8 bases deleted (CATTGATG; older notation c.2091+4_2091+11delCATTGATG).
Molecular consequence: intron variant.
Genome position (GRCh38, 1-based): chr7:107,236,439-107,236,446, CATCAATG deleted on the plus strand (CATTGATG on the coding strand, the reverse complement: COG5 is on the minus strand). VCF-style (leftmost placement, unchanged base first): chr7-107236438-TCATCAATG-T. GRCh37 (hg19) VCF-style: chr7-106876883-TCATCAATG-T.
Other names: c.1377+4_1377+11del (NM_001379516.1); c.1521+4_1521+11del (NM_001379515.1); c.1929+4_1929+11del (NM_001379511.1); c.1917+4_1917+11del (NM_001379512.1); c.2028+4_2028+11del (NM_181733.4); c.1853+11950_1853+11957del (NM_001379514.1); c.2091+4_2091+11del (NM_001379513.1, NM_001161520.2).
Identifiers: ClinVar variation 2110809 (VCV002110809.1), dbSNP rs2535879479, ClinGen allele CA2580076122.

ClinVar aggregate classification (germline): Uncertain significance (1 of 4 stars; one submission).

Conditions:
COG5-congenital disorder of glycosylation. Also called: COG5-CDG; CDG IIi; CONGENITAL DISORDER OF GLYCOSYLATION, TYPE IIi. Identifiers: Orphanet 263487, MedGen C3150876, MONDO:0013325, OMIM 613612.

Submission:

Labcorp Genetics (formerly Invitae), Labcorp
Classification: Uncertain significance for COG5-congenital disorder of glycosylation. Last evaluated: 2022-03-13. Review status: criteria provided, single submitter. Criteria: Invitae Variant Classification Sherloc (09022015). Collection method: clinical testing. Allele origin: germline.
Comment: This sequence change falls in intron 18 of the COG5 gene. It does not directly change the encoded amino acid sequence of the COG5 protein. It affects a nucleotide within the consensus splice site. This variant is not present in population databases (gnomAD no frequency). This variant has not been reported in the literature in individuals affected with COG5-related conditions. Variants that disrupt the consensus splice site are a relatively common cause of aberrant splicing (PMID: 17576681, 9536098). Algorithms developed to predict the effect of sequence changes on RNA splicing suggest that this variant is not likely to affect RNA splicing. In summary, the available evidence is currently insufficient to determine the role of this variant in disease. Therefore, it has been classified as a Variant of Uncertain Significance.

Literature cited by the submitters: PubMed 17576681; PubMed 9536098.